The following is an entry in ClinVar:

NM_001065.4(TNFRSF1A):c.1307A>G (p.Asp436Gly)

Gene: TNFRSF1A (TNF receptor superfamily member 1A; minus strand). Cytogenetic location: 12p13.31.
Variant type: single nucleotide variant.
Coding change: c.1307A>G on transcript NM_001065.4 (MANE Select); coding-DNA position 1307, A replaced by G.
Protein change: p.Asp436Gly; replaces aspartic acid 436 with glycine.
Molecular consequence: missense variant. On other transcripts: non-coding transcript variant (1).
Genome position (GRCh38, 1-based): chr12:6,329,373, T>C on the plus strand (A>G on the coding strand, the complement: TNFRSF1A is on the minus strand). VCF-style: chr12-6329373-T-C. GRCh37 (hg19) VCF-style: chr12-6438539-T-C.
Other names: c.983A>G, p.Asp328Gly (NM_001346091.2); c.848A>G, p.Asp283Gly (NM_001346092.2); short protein forms D283G, D436G, D328G.
Identifiers: ClinVar variation 1363820 (VCV001363820.9), dbSNP rs1243645113, ClinGen allele CA383544414.
Genomic context (GRCh38, chr12:6,329,373, plus strand): 5'-CATCTGAGAAGACTGGGCGCGGGCGGGAGGGCGGCGGGGCCGCAAAGCGCCTCCTCGATG[T>C]CCTCCAGGCAGCCCAGCAGGTCCATGTCGCGGAGCACGCGTCCCAGCAGCTCCAGCGTGG-3'
Protein context (NP_001056.1, residues 426-446): RDMDLLGCLE[Asp436Gly]IEEALCGPAA

ClinVar aggregate classification (germline): Uncertain significance. Review status: criteria provided, multiple submitters, no conflicts (2 of 4 stars). 2 submissions from 2 submitters: Uncertain significance (2). Last evaluated 2024-12-18.

Conditions:
Autoinflammatory syndrome. Identifiers: Orphanet 93665, MedGen C3890737, MONDO:0019751.
TNF receptor-associated periodic fever syndrome (TRAPS) (FPF). Also called: TNF RECEPTOR-ASSOCIATED PERIODIC SYNDROME; TUMOR NECROSIS FACTOR RECEPTOR-ASSOCIATED PERIODIC SYNDROME; Autosomal Dominant Familial Periodic Fever; TNF Receptor-Associated Periodic Fever Syndrome; TNF receptor 1-associated periodic fever syndrome; FAMILIAL HIBERNIAN FEVER. Identifiers: Orphanet 32960, MedGen C1275126, MONDO:0007727, OMIM 142680.

Allele frequency attached by ClinVar (database versions not stated): gnomAD exomes below 0.00001 and 0.00001; gnomAD 0.00001.
gnomAD v4.1: 6 of 1,509,780 alleles (0.0004%); highest among the groups gnomAD compares: African/African-American, 0.0014%; no homozygotes.

Submissions (2):

Labcorp Genetics (formerly Invitae), Labcorp
Classification: Uncertain significance for TNF receptor-associated periodic fever syndrome (TRAPS). Last evaluated: 2024-12-18. Review status: criteria provided, single submitter. Criteria: Invitae Variant Classification Sherloc (09022015). Collection method: clinical testing. Allele origin: germline.
Comment: This sequence change replaces aspartic acid, which is acidic and polar, with glycine, which is neutral and non-polar, at codon 436 of the TNFRSF1A protein (p.Asp436Gly). This variant is present in population databases (no rsID available, gnomAD 0.006%). This variant has not been reported in the literature in individuals affected with TNFRSF1A-related conditions. ClinVar contains an entry for this variant (Variation ID: 1363820). An algorithm developed to predict the effect of missense changes on protein structure and function outputs the following: PolyPhen-2: "Possibly Damaging". The glycine amino acid residue is found in multiple mammalian species, which suggests that this missense change does not adversely affect protein function. In summary, the available evidence is currently insufficient to determine the role of this variant in disease. Therefore, it has been classified as a Variant of Uncertain Significance.

Genome Diagnostics Laboratory, The Hospital for Sick Children
Classification: Uncertain significance for Autoinflammatory syndrome. Last evaluated: 2021-04-16. Review status: criteria provided, single submitter. Criteria: ACMG Guidelines, 2015. Collection method: clinical testing. Allele origin: germline. Affected: yes.